The following is an entry in ClinVar:

ClinVar aggregate classification (germline): Uncertain significance (1 of 4 stars; one submission).

Allele frequency attached by ClinVar (database versions not stated): gnomAD exomes below 0.00001.
gnomAD v4.1: 2 of 1,614,150 alleles (0.00012%); highest among the groups gnomAD compares: East Asian, 0.0022%; no homozygotes.

Submission:

Labcorp Genetics (formerly Invitae), Labcorp
Classification: Uncertain significance. Last evaluated: 2023-12-01. Review status: criteria provided, single submitter. Criteria: Invitae Variant Classification Sherloc (09022015). Collection method: clinical testing. Allele origin: germline.
Comment: This sequence change replaces histidine, which is basic and polar, with arginine, which is basic and polar, at codon 262 of the MTOR protein (p.His262Arg). This variant is not present in population databases (gnomAD no frequency). This variant has not been reported in the literature in individuals affected with MTOR-related conditions. Advanced modeling of protein sequence and biophysical properties (such as structural, functional, and spatial information, amino acid conservation, physicochemical variation, residue mobility, and thermodynamic stability) performed at Invitae indicates that this missense variant is not expected to disrupt MTOR protein function with a negative predictive value of 95%. In summary, the available evidence is currently insufficient to determine the role of this variant in disease. Therefore, it has been classified as a Variant of Uncertain Significance.

NM_004958.4(MTOR):c.785A>G (p.His262Arg)

Gene: MTOR (mechanistic target of rapamycin kinase; minus strand). Cytogenetic location: 1p36.22.
Variant type: single nucleotide variant.
Coding change: c.785A>G on transcript NM_004958.4 (MANE Select); coding-DNA position 785, A replaced by G.
Protein change: p.His262Arg; replaces histidine 262 with arginine.
Molecular consequence: missense variant. On other transcripts: 5 prime UTR variant (1).
Genome position (GRCh38, 1-based): chr1:11,253,894, T>C on the plus strand (A>G on the coding strand, the complement: MTOR is on the minus strand). VCF-style: chr1-11253894-T-C. GRCh37 (hg19) VCF-style: chr1-11313951-T-C.
Other names: c.785A>G, p.His262Arg (NM_001386500.1); c.-355A>G (NM_001386501.1); short protein forms H262R.
Identifiers: ClinVar variation 2833817 (VCV002833817.3), dbSNP rs2100966644, ClinGen allele CA338401380.